The following is an entry in ClinVar:

ClinVar aggregate classification (germline): Uncertain significance (1 of 4 stars; one submission).

Allele frequency attached by ClinVar (database versions not stated): gnomAD exomes below 0.00001.
gnomAD v4.1: 1 of 1,612,550 alleles (0.000062%); highest among the groups gnomAD compares: Non-Finnish European, 0.000085%; no homozygotes.

Submission:

Labcorp Genetics (formerly Invitae), Labcorp
Classification: Uncertain significance. Last evaluated: 2022-06-15. Review status: criteria provided, single submitter. Criteria: Invitae Variant Classification Sherloc (09022015). Collection method: clinical testing. Allele origin: germline.
Comment: In summary, the available evidence is currently insufficient to determine the role of this variant in disease. Therefore, it has been classified as a Variant of Uncertain Significance. Algorithms developed to predict the effect of missense changes on protein structure and function are either unavailable or do not agree on the potential impact of this missense change (SIFT: "Deleterious"; PolyPhen-2: "Probably Damaging"; Align-GVGD: "Class C0"). This variant has not been reported in the literature in individuals affected with ITGAM-related conditions. This variant is not present in population databases (gnomAD no frequency). This sequence change replaces aspartic acid, which is acidic and polar, with asparagine, which is neutral and polar, at codon 20 of the ITGAM protein (p.Asp20Asn).

NM_000632.4(ITGAM):c.58G>A (p.Asp20Asn)

Gene: ITGAM (integrin subunit alpha M; plus strand). Cytogenetic location: 16p11.2.
Variant type: single nucleotide variant.
Coding change: c.58G>A on transcript NM_000632.4 (MANE Select); coding-DNA position 58, G replaced by A.
Protein change: p.Asp20Asn; replaces aspartic acid 20 with asparagine.
Molecular consequence: missense variant.
Genome position (GRCh38, 1-based): chr16:31,261,721, G>A. VCF-style: chr16-31261721-G-A. GRCh37 (hg19) VCF-style: chr16-31273042-G-A.
Other names: c.58G>A, p.Asp20Asn (NM_001145808.2); short protein forms D20N.
Identifiers: ClinVar variation 2006976 (VCV002006976.4), dbSNP rs2544349882, ClinGen allele CA395679658.